The following is an entry in ClinVar:

ClinVar aggregate classification (germline): Uncertain significance (1 of 4 stars; one submission).

Conditions:
Hereditary cancer-predisposing syndrome. Also called: Neoplastic Syndromes, Hereditary; Hereditary neoplastic syndrome; Tumor predisposition; Hereditary Cancer Syndrome. Identifiers: Orphanet 140162, MedGen C0027672, MeSH D009386, MONDO:0015356.

Submission:

Labcorp Genetics (formerly Invitae), Labcorp
Classification: Uncertain significance for Hereditary cancer-predisposing syndrome. Last evaluated: 2022-12-16. Review status: criteria provided, single submitter. Criteria: Invitae Variant Classification Sherloc (09022015). Collection method: clinical testing. Allele origin: germline.
Comment: In summary, the available evidence is currently insufficient to determine the role of this variant in disease. Therefore, it has been classified as a Variant of Uncertain Significance. Advanced modeling of protein sequence and biophysical properties (such as structural, functional, and spatial information, amino acid conservation, physicochemical variation, residue mobility, and thermodynamic stability) performed at Invitae indicates that this missense variant is expected to disrupt RAD50 protein function. This variant has not been reported in the literature in individuals affected with RAD50-related conditions. This variant is not present in population databases (gnomAD no frequency). This sequence change replaces lysine, which is basic and polar, with arginine, which is basic and polar, at codon 107 of the RAD50 protein (p.Lys107Arg).

NM_005732.4(RAD50):c.320A>G (p.Lys107Arg)

Gene: RAD50 (RAD50 double strand break repair protein; plus strand). Cytogenetic location: 5q31.1.
Variant type: single nucleotide variant.
Coding change: c.320A>G on transcript NM_005732.4 (MANE Select); coding-DNA position 320, A replaced by G.
Protein change: p.Lys107Arg; replaces lysine 107 with arginine.
Molecular consequence: missense variant.
Genome position (GRCh38, 1-based): chr5:132,575,883, A>G. VCF-style: chr5-132575883-A-G. GRCh37 (hg19) VCF-style: chr5-131911575-A-G.
Other names: short protein forms K107R.
Identifiers: ClinVar variation 2821561 (VCV002821561.3), dbSNP rs2479608418, ClinGen allele CA360931190.